The following is an entry in ClinVar:

NM_000539.3(RHO):c.342CTT[1] (p.Phe116del)

Gene: RHO (rhodopsin; plus strand). Cytogenetic location: 3q22.1.
Variant type: Microsatellite.
Coding change: c.342CTT[1] on transcript NM_000539.3 (MANE Select); one copy of the 3-base unit CTT starting at c.342; the reference has two copies in a row; one copy, 3 bases deleted.
Protein change: p.Phe116del; deletes phenylalanine 116.
Molecular consequence: inframe deletion.
Genome position (GRCh38, 1-based): chr3:129,529,078-129,529,080, CTT deleted; deleting any 3 consecutive bases within chr3:129,529,075-129,529,080 gives the same sequence; the position shown is the placement nearest the transcript's 3' end. VCF-style (leftmost placement, unchanged base first): chr3-129529074-GCTT-G. GRCh37 (hg19) VCF-style: chr3-129247917-GCTT-G.
Other names: short protein forms F116del.
Identifiers: ClinVar variation 4730947 (VCV004730947.1).
Genomic context (GRCh38, chr3:129,529,074, plus strand): 5'-CCCTCTACACCTCTCTGCATGGATACTTCGTCTTCGGGCCCACAGGATGCAATTTGGAGG[GCTT>G]CTTTGCCACCCTGGGCGGTATGAGCCGGGTGTGGGTGGGGTGTGCAGGAGCCCGGGAGCA-3'

ClinVar aggregate classification (germline): Uncertain significance (1 of 4 stars; one submission).

Submission:

Labcorp Genetics (formerly Invitae), Labcorp
Classification: Uncertain significance. Last evaluated: 2025-11-11. Review status: criteria provided, single submitter. Criteria: Invitae Variant Classification Sherloc (09022015). Collection method: clinical testing. Allele origin: germline.
Comment: This variant, c.345_347del, results in the deletion of 1 amino acid(s) of the RHO protein (p.Phe116del), but otherwise preserves the integrity of the reading frame. This variant is not present in population databases (gnomAD no frequency). This variant has not been reported in the literature in individuals affected with RHO-related conditions. Experimental studies and prediction algorithms are not available or were not evaluated, and the functional significance of this variant is currently unknown. In summary, the available evidence is currently insufficient to determine the role of this variant in disease. Therefore, it has been classified as a Variant of Uncertain Significance.